The following is an entry in ClinVar:

NM_000052.7(ATP7A):c.2172+2C>T

Gene: ATP7A (ATPase copper transporting alpha; plus strand). Cytogenetic location: Xq21.1.
Variant type: single nucleotide variant.
Coding change: c.2172+2C>T on transcript NM_000052.7 (MANE Select); the canonical splice donor site of the intron after coding-DNA position 2172, C replaced by T.
Molecular consequence: splice donor variant.
Genome position (GRCh38, 1-based): chrX:78,011,676, C>T. VCF-style: chrX-78011676-C-T. GRCh37 (hg19) VCF-style: chrX-77267173-C-T.
Other names: c.2172+2C>T (NM_001282224.2).
Identifiers: ClinVar variation 945781 (VCV000945781.7), dbSNP rs2077827112, ClinGen allele CA413598579.

ClinVar aggregate classification (germline): Uncertain significance (1 of 4 stars; one submission).

Conditions:
X-linked distal spinal muscular atrophy type 3. Also called: SPINAL MUSCULAR ATROPHY, DISTAL, X-LINKED RECESSIVE; ATP7A-Related Distal Motor Neuropathy; NEURONOPATHY, DISTAL HEREDITARY MOTOR, X-LINKED; NEUROPATHY, DISTAL HEREDITARY MOTOR, X-LINKED. Identifiers: Orphanet 139557, MedGen C1845359, MONDO:0010338, OMIM 300489.
Menkes kinky-hair syndrome (MNK). Also called: Copper transport disease; Classic Menkes Disease; Menkes Disease. Identifiers: Orphanet 565, MedGen C0022716, MONDO:0010651, OMIM 309400.
Cutis laxa, X-linked (OHS). Also called: EDS IX; Occipital horn syndrome. Identifiers: Orphanet 198, MedGen C0268353, MONDO:0010572, OMIM 304150.

Allele frequency attached by ClinVar (database versions not stated): TOPMed 0.00001.

Submission:

Labcorp Genetics (formerly Invitae), Labcorp
Classification: Uncertain significance for X-linked distal spinal muscular atrophy type 3; Cutis laxa, X-linked; Menkes kinky-hair syndrome. Last evaluated: 2026-01-19. Review status: criteria provided, single submitter. Criteria: Invitae Variant Classification Sherloc (09022015). Collection method: clinical testing. Allele origin: germline.
Comment: This sequence change falls in intron 9 of the ATP7A gene. It does not directly change the encoded amino acid sequence of the ATP7A protein. It affects a nucleotide within the consensus splice site. This variant is not present in population databases (gnomAD no frequency). This variant has not been reported in the literature in individuals affected with ATP7A-related conditions. ClinVar contains an entry for this variant (Variation ID: 945781). Variants that disrupt the consensus splice site are a relatively common cause of aberrant splicing (PMID: 17576681, 9536098). In summary, the available evidence is currently insufficient to determine the role of this variant in disease. Therefore, it has been classified as a Variant of Uncertain Significance.

Literature cited by the submitters: PubMed 17576681; PubMed 9536098.